The following is an entry in ClinVar:

NM_001365951.3(KIF1B):c.982G>A (p.Val328Ile)

Gene: KIF1B (kinesin family member 1B; plus strand). Cytogenetic location: 1p36.22.
Variant type: single nucleotide variant.
Coding change: c.982G>A on transcript NM_001365951.3 (MANE Select); coding-DNA position 982, G replaced by A.
Protein change: p.Val328Ile; replaces valine 328 with isoleucine.
Molecular consequence: missense variant.
Genome position (GRCh38, 1-based): chr1:10,276,344, G>A. VCF-style: chr1-10276344-G-A. GRCh37 (hg19) VCF-style: chr1-10336402-G-A.
Other names: c.982G>A, p.Val328Ile (NM_001365952.1); c.964G>A, p.Val322Ile (NM_001365953.1, NM_015074.3, NM_183416.4); short protein forms V322I, V328I.
Identifiers: ClinVar variation 1767673 (VCV001767673.2), dbSNP rs1480952079, ClinGen allele CA338332856.

ClinVar aggregate classification (germline): Uncertain significance (1 of 4 stars; one submission).

gnomAD v4.1: 1 of 1,613,876 alleles (0.000062%); no homozygotes.

Submission:

Ambry Genetics
Classification: Uncertain significance. Last evaluated: 2022-09-11. Review status: criteria provided, single submitter. Criteria: Ambry Variant Classification Scheme 2023. Collection method: clinical testing. Allele origin: germline.
Comment: The p.V322I variant (also known as c.964G>A), located in coding exon 10 of the KIF1B gene, results from a G to A substitution at nucleotide position 964. The valine at codon 322 is replaced by isoleucine, an amino acid with highly similar properties. This amino acid position is conserved. In addition, the in silico prediction for this alteration is inconclusive. Since supporting evidence is limited at this time, the clinical significance of this alteration remains unclear.